The following is an entry in ClinVar:

NM_000271.5(NPC1):c.1070C>T (p.Ser357Leu)

Gene: NPC1 (NPC intracellular cholesterol transporter 1; minus strand). Cytogenetic location: 18q11.2.
Variant type: single nucleotide variant.
Coding change: c.1070C>T on transcript NM_000271.5 (MANE Select); coding-DNA position 1070, C replaced by T.
Protein change: p.Ser357Leu; replaces serine 357 with leucine.
Molecular consequence: missense variant.
Genome position (GRCh38, 1-based): chr18:23,556,499, G>A on the plus strand (C>T on the coding strand, the complement: NPC1 is on the minus strand). VCF-style: chr18-23556499-G-A. GRCh37 (hg19) VCF-style: chr18-21136463-G-A.
Other names: short protein forms S357L.
Identifiers: ClinVar variation 539313 (VCV000539313.14), dbSNP rs1555637232, ClinGen allele CA401778535.

ClinVar aggregate classification (germline): Conflicting classifications of pathogenicity. Review status: criteria provided, conflicting classifications (1 of 4 stars). 4 submissions from 4 submitters: Pathogenic (1); Likely pathogenic (1); Uncertain significance (1). 1 of the submissions does not count toward it. Last evaluated 2025-09-24.

Conditions:
Niemann-Pick disease, type C1. Also called: NEUROVISCERAL STORAGE DISEASE WITH VERTICAL SUPRANUCLEAR OPHTHALMOPLEGIA; NIEMANN-PICK DISEASE WITH CHOLESTEROL ESTERIFICATION BLOCK; NIEMANN-PICK DISEASE WITHOUT SPHINGOMYELINASE DEFICIENCY; NIEMANN-PICK DISEASE, CHRONIC NEURONOPATHIC FORM; NIEMANN-PICK DISEASE, VARIANT TYPE C1. Identifiers: Orphanet 646, MedGen C3179455, MONDO:0009757, OMIM 257220.

Allele frequency attached by ClinVar (database versions not stated): gnomAD exomes below 0.00001; gnomAD 0.00001.
gnomAD v4.1: 4 of 1,614,056 alleles (0.00025%); highest among the groups gnomAD compares: Non-Finnish European, 0.00025%; no homozygotes.

Submissions (4):

Genesolutions, Medical Genetics Institutes, Ho Chi Minh City, Vietnam
Classification: Uncertain significance for Niemann-Pick disease, type C1. Last evaluated: 2025-09-24. Review status: criteria provided, single submitter. Criteria: ACMG Guidelines, 2015. Collection method: clinical testing. Allele origin: germline. Affected: yes.

Natera, Inc.
Classification: Likely pathogenic for Niemann-Pick disease type C1. Last evaluated: 2024-03-25. Review status: criteria provided, single submitter. Criteria: Natera Variant Classification Schema (03/2026). Collection method: clinical testing. Allele origin: germline.
Comment: The c.1070C>T variant in NPC1 is a missense variant predicted to cause substitution of serine to leucine at amino acid 357. This variant is rare in the general population with a frequency below the threshold expected for the associated phenotype(s). This variant has been observed in one or more individuals affected with the associated recessive disease, as either homozygous or compound heterozygous with a second variant (PMID: 35086560, 27928380, 26981555, 12205649). Given the available evidence, this variant is classified as Likely Pathogenic.

Labcorp Genetics (formerly Invitae), Labcorp
Classification: Pathogenic for Niemann-Pick disease, type C1. Last evaluated: 2023-11-27. Review status: criteria provided, single submitter. Criteria: Invitae Variant Classification Sherloc (09022015). Collection method: clinical testing. Allele origin: germline.
Comment: This sequence change replaces serine, which is neutral and polar, with leucine, which is neutral and non-polar, at codon 357 of the NPC1 protein (p.Ser357Leu). This variant is not present in population databases (gnomAD no frequency). This missense change has been observed in individual(s) with Niemann-Pick Disease Type C (PMID: 12205649, 26981555, 27256227, 27928380, 35086560; Invitae). ClinVar contains an entry for this variant (Variation ID: 539313). Advanced modeling of protein sequence and biophysical properties (such as structural, functional, and spatial information, amino acid conservation, physicochemical variation, residue mobility, and thermodynamic stability) has been performed at Invitae for this missense variant, however the output from this modeling did not meet the statistical confidence thresholds required to predict the impact of this variant on NPC1 protein function. For these reasons, this variant has been classified as Pathogenic.

Counsyl
Classification: Likely pathogenic for Niemann-Pick disease, type C1. Last evaluated: 2017-08-29. Review status: no assertion criteria provided. Collection method: clinical testing. Allele origin: unknown. Not counted in ClinVar's aggregate classification.

Literature cited by the submitters: PubMed 35086560 (cited by Natera, Inc. and Labcorp Genetics (formerly Invitae), Labcorp); PubMed 27928380 (cited by 3 submitters); PubMed 26981555 (cited by 3 submitters); PubMed 12205649 (cited by 3 submitters); PubMed 27256227 (cited by Labcorp Genetics (formerly Invitae), Labcorp and Counsyl).